The following is an entry in ClinVar:

NM_001142459.2(ASB10):c.412C>T (p.Arg138Trp)

Gene: ASB10 (ankyrin repeat and SOCS box containing 10; minus strand). Cytogenetic location: 7q36.1.
Variant type: single nucleotide variant.
Coding change: c.412C>T on transcript NM_001142459.2 (MANE Select); coding-DNA position 412, C replaced by T.
Protein change: p.Arg138Trp; replaces arginine 138 with tryptophan.
Molecular consequence: missense variant.
Genome position (GRCh38, 1-based): chr7:151,186,564, G>A on the plus strand (C>T on the coding strand, the complement: ASB10 is on the minus strand). VCF-style: chr7-151186564-G-A. GRCh37 (hg19) VCF-style: chr7-150883651-G-A.
Other names: c.412C>T, p.Arg138Trp (NM_001142460.1); c.367C>T, p.Arg123Trp (NM_080871.4); short protein forms R123W, R138W.
Identifiers: ClinVar variation 2328350 (VCV002328350.5), dbSNP rs199709285, ClinGen allele CA4573892.
Genomic context (GRCh38, chr7:151,186,564, plus strand): 5'-CAGCACAGGCCTCGTGCAGGGCGGTGCGGCCCCCAGGGGCACTGTCTGGCCTTGCTCGCC[G>A]CCTCAGCAGCAGCCGCAGGACTTCCGTGTGGCCACGGCTGGCTGCCACATGCAGTGGGGT-3'
Protein context (NP_001135931.2, residues 128-148): HTEVLRLLLR[Arg138Trp]RARPDSAPGG

ClinVar aggregate classification (germline): Uncertain significance. Review status: criteria provided, multiple submitters, no conflicts (2 of 4 stars). 2 submissions from 2 submitters: Uncertain significance (2). Last evaluated 2025-02-13.

Allele frequency attached by ClinVar (database versions not stated): gnomAD exomes 0.00002; TOPMed 0.00002; gnomAD 0.00003; ExAC 0.00004; 1000 Genomes Project 30x 0.00016; 1000 Genomes Project 0.00020.
gnomAD v4.1: 36 of 1,605,462 alleles (0.0022%); highest among the groups gnomAD compares: African/African-American, 0.0067%; no homozygotes.

Submissions (2):

Ambry Genetics
Classification: Uncertain significance. Last evaluated: 2025-02-13. Review status: criteria provided, single submitter. Criteria: Ambry Variant Classification Scheme 2023. Collection method: clinical testing. Allele origin: germline.

Labcorp Genetics (formerly Invitae), Labcorp
Classification: Uncertain significance. Last evaluated: 2024-07-23. Review status: criteria provided, single submitter. Criteria: Invitae Variant Classification Sherloc (09022015). Collection method: clinical testing. Allele origin: germline.
Comment: This sequence change replaces arginine, which is basic and polar, with tryptophan, which is neutral and slightly polar, at codon 138 of the ASB10 protein (p.Arg138Trp). This variant is present in population databases (rs199709285, gnomAD 0.01%). This variant has not been reported in the literature in individuals affected with ASB10-related conditions. ClinVar contains an entry for this variant (Variation ID: 2328350). An algorithm developed to predict the effect of missense changes on protein structure and function (PolyPhen-2) suggests that this variant is likely to be disruptive. In summary, the available evidence is currently insufficient to determine the role of this variant in disease. Therefore, it has been classified as a Variant of Uncertain Significance.